The following is an entry in ClinVar:

NM_000254.3(MTR):c.3155T>G (p.Val1052Gly)

Gene: MTR (5-methyltetrahydrofolate-homocysteine methyltransferase; plus strand). Cytogenetic location: 1q43.
Variant type: single nucleotide variant.
Coding change: c.3155T>G on transcript NM_000254.3 (MANE Select); coding-DNA position 3155, T replaced by G.
Protein change: p.Val1052Gly; replaces valine 1052 with glycine.
Molecular consequence: missense variant.
Genome position (GRCh38, 1-based): chr1:236,891,280, T>G. VCF-style: chr1-236891280-T-G. GRCh37 (hg19) VCF-style: chr1-237054580-T-G.
Other names: c.3002T>G, p.Val1001Gly (NM_001291939.1); c.1934T>G, p.Val645Gly (NM_001291940.2); short protein forms V1001G, V1052G, V645G.
Identifiers: ClinVar variation 1441051 (VCV001441051.3), dbSNP rs1666303969, ClinGen allele CA345387269.

ClinVar aggregate classification (germline): Uncertain significance (1 of 4 stars; one submission).

Conditions:
Methylcobalamin deficiency type cblG (HMAG). Also called: HOMOCYSTINURIA-MEGALOBLASTIC ANEMIA, cblG COMPLEMENTATION TYPE; Functional methionine synthase deficiency type cblG; HOMOCYSTINURIA-MEGALOBLASTIC ANEMIA, cblG TYPE; HOMOCYSTINURIA-MEGALOBLASTIC ANEMIA DUE TO DEFECT IN COBALAMIN METABOLISM, cblG COMPLEMENTATION TYPE. Identifiers: Orphanet 2170, Orphanet 622, MedGen C1855128, MONDO:0009609, OMIM 250940.

Allele frequency attached by ClinVar (database versions not stated): gnomAD exomes below 0.00001; TOPMed below 0.00001.
gnomAD v4.1: 2 of 1,614,126 alleles (0.00012%); highest among the groups gnomAD compares: Admixed American, 0.0033%; no homozygotes.

Submission:

Labcorp Genetics (formerly Invitae), Labcorp
Classification: Uncertain significance for Methylcobalamin deficiency type cblG. Last evaluated: 2021-11-06. Review status: criteria provided, single submitter. Criteria: Invitae Variant Classification Sherloc (09022015). Collection method: clinical testing. Allele origin: germline.
Comment: This sequence change replaces valine, which is neutral and non-polar, with glycine, which is neutral and non-polar, at codon 1052 of the MTR protein (p.Val1052Gly). This variant is not present in population databases (gnomAD no frequency). This variant has not been reported in the literature in individuals affected with MTR-related conditions. Algorithms developed to predict the effect of missense changes on protein structure and function (SIFT, PolyPhen-2, Align-GVGD) all suggest that this variant is likely to be tolerated. In summary, the available evidence is currently insufficient to determine the role of this variant in disease. Therefore, it has been classified as a Variant of Uncertain Significance.